The following is an entry in ClinVar:

ClinVar aggregate classification (germline): Uncertain significance. Review status: criteria provided, multiple submitters, no conflicts (2 of 4 stars). 2 submissions from 2 submitters: Uncertain significance (2). Last evaluated 2024-06-12.

Allele frequency attached by ClinVar (database versions not stated): gnomAD exomes below 0.00001.

Submissions (2):

GeneDx
Classification: Uncertain significance. Last evaluated: 2024-06-12. Review status: criteria provided, single submitter. Criteria: GeneDx Variant Classification Process June 2021. Collection method: clinical testing. Allele origin: germline. Affected: yes.
Comment: Not observed at significant frequency in large population cohorts (gnomAD); In silico analysis indicates that this missense variant does not alter protein structure/function; Has not been previously published as pathogenic or benign to our knowledge

Labcorp Genetics (formerly Invitae), Labcorp
Classification: Uncertain significance. Last evaluated: 2022-06-22. Review status: criteria provided, single submitter. Criteria: Invitae Variant Classification Sherloc (09022015). Collection method: clinical testing. Allele origin: germline.
Comment: In summary, the available evidence is currently insufficient to determine the role of this variant in disease. Therefore, it has been classified as a Variant of Uncertain Significance. Algorithms developed to predict the effect of missense changes on protein structure and function output the following: SIFT: "Tolerated"; PolyPhen-2: "Not Available"; Align-GVGD: "Class C0". The threonine amino acid residue is found in multiple mammalian species, which suggests that this missense change does not adversely affect protein function. This variant has not been reported in the literature in individuals affected with KAT6A-related conditions. This variant is not present in population databases (gnomAD no frequency). This sequence change replaces alanine, which is neutral and non-polar, with threonine, which is neutral and polar, at codon 1304 of the KAT6A protein (p.Ala1304Thr).

NM_006766.5(KAT6A):c.3910G>A (p.Ala1304Thr)

Gene: KAT6A (lysine acetyltransferase 6A; minus strand). Cytogenetic location: 8p11.21.
Variant type: single nucleotide variant.
Coding change: c.3910G>A on transcript NM_006766.5 (MANE Select); coding-DNA position 3910, G replaced by A.
Protein change: p.Ala1304Thr; replaces alanine 1304 with threonine.
Molecular consequence: missense variant.
Genome position (GRCh38, 1-based): chr8:41,934,310, C>T on the plus strand (G>A on the coding strand, the complement: KAT6A is on the minus strand). VCF-style: chr8-41934310-C-T. GRCh37 (hg19) VCF-style: chr8-41791828-C-T.
Other names: c.3910G>A (NM_006766.3); short protein forms A1304T.
Identifiers: ClinVar variation 2006947 (VCV002006947.5), dbSNP rs1821733817, ClinGen allele CA371067905.